The following is an entry in ClinVar:

ClinVar aggregate classification (germline): Uncertain significance. Review status: criteria provided, multiple submitters, no conflicts (2 of 4 stars). 11 submissions from 7 submitters: Uncertain significance (11). Last evaluated 2026-02-19.

Conditions:
Myopathy, myofibrillar, 9, with early respiratory failure (MFM9). Also called: MYOPATHY, PROXIMAL, WITH EARLY RESPIRATORY MUSCLE INVOLVEMENT; Hereditary myopathy with early respiratory failure; Myopathy, distal, with early respiratory failure, autosomal dominant; EDSTROM MYOPATHY. Identifiers: Orphanet 178464, Orphanet 34521, MedGen C1863599, MONDO:0011362, OMIM 603689.
Tibial muscular dystrophy (TMD). Also called: UDD MYOPATHY; Tibial muscular dystrophy, tardive; Udd Distal Myopathy – Tibial Muscular Dystrophy. Identifiers: Orphanet 609, MedGen C1838244, MONDO:0010870, OMIM 600334.
Dilated cardiomyopathy 1G (CMD1G). Identifiers: Orphanet 154, MedGen C1858763, MONDO:0011400, OMIM 604145.
Early-onset myopathy with fatal cardiomyopathy (CMYO5). Also called: Salih Myopathy; CONGENITAL MYOPATHY 5 WITH CARDIOMYOPATHY. Identifiers: Orphanet 289377, MedGen C2673677, MONDO:0012714, OMIM 611705. Disease mechanism: loss of function.
TTN-related disorder. Also called: TTN-related disorders; TTN-related condition; TTN-related disease.
Autosomal recessive limb-girdle muscular dystrophy type 2J (LGMDR10). Also called: Limb-girdle muscular dystrophy, type 2J; MUSCULAR DYSTROPHY, LIMB-GIRDLE, AUTOSOMAL RECESSIVE 10. Identifiers: Orphanet 140922, MedGen C1837342, MONDO:0012127, OMIM 608807.

Allele frequency attached by ClinVar (database versions not stated): ExAC 0.00001; gnomAD exomes 0.00001 and 0.00002; gnomAD 0.00005 and 0.00006; TOPMed 0.00016.
gnomAD v4.1: 22 of 1,611,400 alleles (0.0014%); highest among the groups gnomAD compares: Admixed American, 0.023%; no homozygotes.

Submissions (11):

PreventionGenetics, part of Exact Sciences
Classification: Uncertain significance for TTN-related condition. Last evaluated: 2026-02-19. Review status: criteria provided, single submitter. Criteria: ACMG Guidelines, 2015. Collection method: clinical testing. Allele origin: germline.
Comment: The TTN c.26506C>T variant is predicted to result in the amino acid substitution p.Pro8836Ser. To our knowledge, this variant has not been reported in the literature. This variant is reported in 0.012% of alleles in individuals of Latino descent in gnomAD. At this time, the clinical significance of this variant is uncertain due to the absence of conclusive functional and genetic evidence.

Women's Health and Genetics/Laboratory Corporation of America, LabCorp
Classification: Uncertain significance. Last evaluated: 2025-12-08. Review status: criteria provided, single submitter. Criteria: LabCorp Variant Classification Summary - May 2015. Collection method: clinical testing. Allele origin: germline.

Dasa
Classification: Uncertain significance. Last evaluated: 2025-02-12. Review status: criteria provided, single submitter. Criteria: DASA Assertion Criteria. Collection method: clinical testing. Allele origin: germline.
Comment: NM_001267550.2(TTN):c.26506C>T (p.Pro8836Ser) is a missense variant that results in the substitution of proline with serine. This variant is rare in population databases. The currently available literature and clinical evidence are not sufficient to establish a definitive association between this variant and the reported condition. Therefore, this variant is classified as a variant of uncertain significance.

Revvity Omics, Revvity
Classification: Uncertain significance. Last evaluated: 2023-06-14. Review status: criteria provided, single submitter. Criteria: ACMG Guidelines, 2015. Collection method: clinical testing. Allele origin: germline.

Illumina Laboratory Services, Illumina
Classification: Uncertain significance for Autosomal recessive limb-girdle muscular dystrophy type 2J. Last evaluated: 2018-01-13. Review status: criteria provided, single submitter. Criteria: ICSL Variant Classification Criteria 13 December 2019. Collection method: clinical testing. Allele origin: germline.

Illumina Laboratory Services, Illumina
Classification: Uncertain significance for Dilated cardiomyopathy 1G. Last evaluated: 2018-01-13. Review status: criteria provided, single submitter. Criteria: ICSL Variant Classification Criteria 13 December 2019. Collection method: clinical testing. Allele origin: germline.

Illumina Laboratory Services, Illumina
Classification: Uncertain significance for Tibial muscular dystrophy. Last evaluated: 2018-01-13. Review status: criteria provided, single submitter. Criteria: ICSL Variant Classification Criteria 13 December 2019. Collection method: clinical testing. Allele origin: germline.

Illumina Laboratory Services, Illumina
Classification: Uncertain significance for Early-onset myopathy with fatal cardiomyopathy. Last evaluated: 2018-01-13. Review status: criteria provided, single submitter. Criteria: ICSL Variant Classification Criteria 13 December 2019. Collection method: clinical testing. Allele origin: germline.

Illumina Laboratory Services, Illumina
Classification: Uncertain significance for Myopathy, myofibrillar, 9, with early respiratory failure. Last evaluated: 2018-01-13. Review status: criteria provided, single submitter. Criteria: ICSL Variant Classification Criteria 13 December 2019. Collection method: clinical testing. Allele origin: germline.

Labcorp Genetics (formerly Invitae), Labcorp
Classification: Uncertain significance for Dilated cardiomyopathy 1G; Autosomal recessive limb-girdle muscular dystrophy type 2J. Last evaluated: 2017-07-07. Review status: criteria provided, single submitter. Criteria: Invitae Variant Classification Sherloc (09022015). Collection method: clinical testing. Allele origin: germline.

Eurofins Ntd Llc (ga)
Classification: Uncertain significance. Last evaluated: 2017-01-25. Review status: criteria provided, single submitter. Criteria: EGL Classification Definitions 2015. Collection method: clinical testing. Allele origin: germline. Observed: 1 variant allele, 1 heterozygote.

NM_001267550.2(TTN):c.26506C>T (p.Pro8836Ser)

Gene: TTN (titin; minus strand). Cytogenetic location: 2q31.2.
Variant type: single nucleotide variant.
Coding change: c.26506C>T on transcript NM_001267550.2 (MANE Select); coding-DNA position 26506, C replaced by T.
Protein change: p.Pro8836Ser; replaces proline 8836 with serine.
Molecular consequence: missense variant. On other transcripts: intron variant (3).
Genome position (GRCh38, 1-based): chr2:178,714,152, G>A on the plus strand (C>T on the coding strand, the complement: TTN is on the minus strand). VCF-style: chr2-178714152-G-A. GRCh37 (hg19) VCF-style: chr2-179578879-G-A.
Other names: c.25555C>T, p.Pro8519Ser (NM_001256850.1); c.22774C>T, p.Pro7592Ser (NM_133378.4); c.13282+23930C>T (NM_003319.4); c.13858+23930C>T (NM_133437.4); c.13657+23930C>T (NM_133432.3); short protein forms P7592S, P8836S, P8519S.
Identifiers: ClinVar variation 332908 (VCV000332908.17), dbSNP rs776799144, ClinGen allele CA1999978.
Genomic context (GRCh38, chr2:178,714,152, plus strand): 5'-TGCCAGCTACTGTACACTCCAAGGTACAGGTGTCTCCCGTGGTAACTTTTATGGATTCTG[G>A]CTTTTCTACAATTGTTGCAGGCTCTGGAATGAAATGTAAAAGATATCCATATTTTAAACT-3'
Protein context (NP_001254479.2, residues 8826-8846): VLEPATIVEK[Pro8836Ser]ESIKVTTGDT